The following is an entry in ClinVar:

ClinVar aggregate classification (germline): Uncertain significance (1 of 4 stars; one submission).

Submission:

CeGaT Center for Human Genetics Tuebingen
Classification: Uncertain significance. Last evaluated: 2026-07-01. Review status: criteria provided, single submitter. Criteria: CeGaT Center For Human Genetics Tuebingen Variant Classification Criteria Version 2. Collection method: clinical testing. Allele origin: germline. Affected: yes. Observed: 1 variant allele.
Comment: SOX4: PM2, PP3

NM_003107.3(SOX4):c.724G>A (p.Ala242Thr)

Gene: SOX4 (SRY-box transcription factor 4; plus strand). Cytogenetic location: 6p22.3.
Variant type: single nucleotide variant.
Coding change: c.724G>A on transcript NM_003107.3 (MANE Select); coding-DNA position 724, G replaced by A.
Protein change: p.Ala242Thr; replaces alanine 242 with threonine.
Molecular consequence: missense variant.
Genome position (GRCh38, 1-based): chr6:21,595,258, G>A. VCF-style: chr6-21595258-G-A. GRCh37 (hg19) VCF-style: chr6-21595489-G-A.
Other names: short protein forms A242T.
Identifiers: ClinVar variation 5039117 (VCV005039117.1).
Genomic context (GRCh38, chr6:21,595,258, plus strand): 5'-GGCGGCGGCGGCGGCGGGAAAGCAGCGGCTGCCGCCGCCGCCTCCTTCGCCGCCGAACAG[G>A]CGGGGGCCGCCGCCCTGCTGCCCCTGGGCGCCGCCGCCGACCACCACTCGCTGTACAAGG-3'
Protein context (NP_003098.1, residues 232-252): AAAASFAAEQ[Ala242Thr]GAAALLPLGA